The following is an entry in ClinVar:

NM_015386.3(COG4):c.1813C>T (p.Arg605Ter)

Gene: COG4 (component of oligomeric golgi complex 4; minus strand). Cytogenetic location: 16q22.1.
Variant type: single nucleotide variant.
Coding change: c.1813C>T on transcript NM_015386.3 (MANE Select); coding-DNA position 1813, C replaced by T.
Protein change: p.Arg605Ter; replaces arginine 605 with a stop codon.
Molecular consequence: nonsense. On other transcripts: non-coding transcript variant (1).
Genome position (GRCh38, 1-based): chr16:70,483,867, G>A on the plus strand (C>T on the coding strand, the complement: COG4 is on the minus strand). VCF-style: chr16-70483867-G-A. GRCh37 (hg19) VCF-style: chr16-70517770-G-A.
Other names: c.1738C>T, p.Arg580Ter (NM_001195139.2); c.1387C>T, p.Arg463Ter (NM_001365426.1); short protein forms R463*, R580*, R605*.
Identifiers: ClinVar variation 4975812 (VCV004975812.1).

ClinVar aggregate classification (germline): Likely pathogenic (1 of 4 stars; one submission).

gnomAD v4.1: 11 of 1,613,212 alleles (0.00068%); highest among the groups gnomAD compares: Non-Finnish European, 0.00076%; no homozygotes.

Submission:

GeneDx
Classification: Likely pathogenic. Last evaluated: 2026-03-16. Review status: criteria provided, single submitter. Criteria: GeneDx Variant Classification Process June 2021. Collection method: clinical testing. Allele origin: germline.
Comment: Nonsense variant predicted to result in protein truncation or nonsense mediated decay in a gene for which loss of function is a known mechanism of disease; Not observed at significant frequency in large population cohorts (gnomAD); Has not been previously published as pathogenic or benign to our knowledge